The following is an entry in ClinVar:

NM_001127222.2(CACNA1A):c.4590+5C>G

Gene: CACNA1A (calcium voltage-gated channel subunit alpha1 A; minus strand). Cytogenetic location: 19p13.13.
Variant type: single nucleotide variant.
Coding change: c.4590+5C>G on transcript NM_001127222.2 (MANE Select); 5 bases into the intron after coding-DNA position 4590, C replaced by G.
Molecular consequence: intron variant.
Genome position (GRCh38, 1-based): chr19:13,257,345, G>C on the plus strand (C>G on the coding strand, the complement: CACNA1A is on the minus strand). VCF-style: chr19-13257345-G-C. GRCh37 (hg19) VCF-style: chr19-13368159-G-C.
Other names: c.4593+5C>G (NM_001127221.2, NM_001174080.2); c.4602+5C>G (NM_000068.4, NM_023035.3).
Identifiers: ClinVar variation 2950842 (VCV002950842.3), dbSNP rs2512740710, ClinGen allele CA2740091932.
Genomic context (GRCh38, chr19:13,257,345, plus strand): 5'-GTGTGTGTTTTAAAGTTTGTGTGTGTCCCCAGTTTTTAAAGGACAGATGGAATTGGAAGT[G>C]GCACCTCATTTTTCTCCAGGCTGTATTCCTCCATCATCTTGTCCCCTTGCTCCTGGAAGG-3'

ClinVar aggregate classification (germline): Uncertain significance (1 of 4 stars; one submission).

Conditions:
Episodic ataxia type 2 (EA2). Also called: CEREBELLAR ATAXIA, PAROXYSMAL, ACETAZOLAMIDE-RESPONSIVE; CEREBELLOPATHY, HEREDITARY PAROXYSMAL; EPISODIC ATAXIA, NYSTAGMUS-ASSOCIATED; ACETAZOLAMIDE-RESPONSIVE HEREDITARY PAROXYSMAL CEREBELLAR ATAXIA; ATAXIA, EPISODIC, WITH NYSTAGMUS; ATAXIA, FAMILIAL PAROXYSMAL. Identifiers: Orphanet 97, MedGen C1720416, MONDO:0007163, OMIM 108500.
Developmental and epileptic encephalopathy, 42 (DEE42A). Also called: Epileptic encephalopathy, early infantile, 42; DEVELOPMENTAL AND EPILEPTIC ENCEPHALOPATHY 42A; EPILEPTIC ENCEPHALOPATHY, EARLY INFANTILE, 42A. Identifiers: MedGen C4310716, MONDO:0014917, OMIM 617106.

Submission:

Labcorp Genetics (formerly Invitae), Labcorp
Classification: Uncertain significance for Developmental and epileptic encephalopathy, 42; Episodic ataxia type 2. Last evaluated: 2023-08-09. Review status: criteria provided, single submitter. Criteria: Invitae Variant Classification Sherloc (09022015). Collection method: clinical testing. Allele origin: germline.
Comment: This sequence change falls in intron 28 of the CACNA1A gene. It does not directly change the encoded amino acid sequence of the CACNA1A protein. It affects a nucleotide within the consensus splice site. This variant is not present in population databases (gnomAD no frequency). This variant has not been reported in the literature in individuals affected with CACNA1A-related conditions. Variants that disrupt the consensus splice site are a relatively common cause of aberrant splicing (PMID: 17576681, 9536098). Algorithms developed to predict the effect of sequence changes on RNA splicing suggest that this variant is not likely to affect RNA splicing. In summary, the available evidence is currently insufficient to determine the role of this variant in disease. Therefore, it has been classified as a Variant of Uncertain Significance.

Literature cited by the submitters: PubMed 17576681; PubMed 9536098.